The following is an entry in ClinVar:

ClinVar aggregate classification (germline): Benign. Review status: criteria provided, multiple submitters, no conflicts (2 of 4 stars). 2 submissions from 2 submitters: Benign (2). Last evaluated 2018-01-13.

Conditions:
Congenital glucose-galactose malabsorption (GGM). Also called: MONOSACCHARIDE MALABSORPTION; DIARRHEA 16. Identifiers: Orphanet 35710, MedGen C0268186, MONDO:0011731, OMIM 606824.

Allele frequency attached by ClinVar (database versions not stated): 1000 Genomes Project 30x 0.11118; 1000 Genomes Project 0.11282; TOPMed 0.13559; gnomAD 0.14285 and 0.14372; gnomAD exomes 0.25000.
gnomAD v4.1: 21,825 of 152,158 alleles (14%); highest among the groups gnomAD compares: Non-Finnish European, 18%; 1,674 homozygotes.

Submissions (2):

Illumina Laboratory Services, Illumina
Classification: Benign for Congenital glucose-galactose malabsorption. Last evaluated: 2018-01-13. Review status: criteria provided, single submitter. Criteria: ICSL Variant Classification Criteria 13 December 2019. Collection method: clinical testing. Allele origin: germline.
Comment: This variant was observed in the ICSL laboratory as part of a predisposition screen in an ostensibly healthy population. It had not been previously curated by ICSL or reported in the Human Gene Mutation Database (HGMD: prior to June 1st, 2018), and was therefore a candidate for classification through an automated scoring system. Utilizing variant allele frequency, disease prevalence and penetrance estimates, and inheritance mode, an automated score was calculated to assess if this variant is too frequent to cause the disease. Based on the score and internal cut-off values, a variant classified as benign is not then subjected to further curation. The score for this variant resulted in a classification of benign for this disease.

Breakthrough Genomics
Classification: Benign. Review status: criteria provided, single submitter. Criteria: ACMG Guidelines, 2015. Collection method: not provided. Allele origin: germline. Inheritance: Autosomal recessive inheritance. Affected: yes.

NM_000343.4(SLC5A1):c.*2245C>T

Gene: SLC5A1 (solute carrier family 5 member 1; plus strand). Cytogenetic location: 22q12.3.
Variant type: single nucleotide variant.
Coding change: c.*2245C>T on transcript NM_000343.4 (MANE Select); 2245 bases downstream of the stop codon, C replaced by T.
Molecular consequence: 3 prime UTR variant.
Genome position (GRCh38, 1-based): chr22:32,112,458, C>T. VCF-style: chr22-32112458-C-T. GRCh37 (hg19) VCF-style: chr22-32508445-C-T.
Other names: c.*2245C>T (NM_001256314.2).
Identifiers: ClinVar variation 341295 (VCV000341295.6), dbSNP rs9621386, ClinGen allele CA10654046.